The following is an entry in ClinVar:

NM_002691.4(POLD1):c.59G>A (p.Gly20Glu)

Gene: POLD1 (DNA polymerase delta 1, catalytic subunit; plus strand). Cytogenetic location: 19q13.33.
Variant type: single nucleotide variant.
Coding change: c.59G>A on transcript NM_002691.4 (MANE Select); coding-DNA position 59, G replaced by A.
Protein change: p.Gly20Glu; replaces glycine 20 with glutamic acid.
Molecular consequence: missense variant. On other transcripts: non-coding transcript variant (1).
Genome position (GRCh38, 1-based): chr19:50,398,910, G>A. VCF-style: chr19-50398910-G-A. GRCh37 (hg19) VCF-style: chr19-50902167-G-A.
Other names: c.59G>A, p.Gly20Glu (NM_001256849.1, NM_001308632.1); short protein forms G20E.
Identifiers: ClinVar variation 408031 (VCV000408031.19), dbSNP rs778329225, ClinGen allele CA9595599.

ClinVar aggregate classification (germline): Uncertain significance. Review status: criteria provided, multiple submitters, no conflicts (2 of 4 stars). 3 submissions from 3 submitters: Uncertain significance (3). Last evaluated 2025-09-27.

Conditions:
Hereditary cancer-predisposing syndrome. Also called: Neoplastic Syndromes, Hereditary; Hereditary neoplastic syndrome; Hereditary Cancer Syndrome; Tumor predisposition. Identifiers: Orphanet 140162, MedGen C0027672, MeSH D009386, MONDO:0015356.
POLD1-related polyposis and colorectal cancer syndrome (CRCS10). Also called: Colorectal cancer, susceptibility to, 10; Colorectal cancer 10; COLORECTAL CANCER, SUSCEPTIBILITY TO, ON CHROMOSOME 19q. Identifiers: Orphanet 220460, MedGen C2675481, MONDO:0012953, OMIM 612591.

Allele frequency attached by ClinVar (database versions not stated): ExAC 0.00002; gnomAD exomes 0.00003.

Submissions (3):

Ambry Genetics
Classification: Uncertain significance for Hereditary cancer-predisposing syndrome. Last evaluated: 2025-09-27. Review status: criteria provided, single submitter. Criteria: Ambry Variant Classification Scheme 2023. Collection method: clinical testing. Allele origin: germline.
Comment: The p.G20E variant (also known as c.59G>A), located in coding exon 1 of the POLD1 gene, results from a G to A substitution at nucleotide position 59. The glycine at codon 20 is replaced by glutamic acid, an amino acid with similar properties. This amino acid position is conserved. In addition, this alteration is predicted to be tolerated by in silico analysis. Since supporting evidence is limited at this time, the clinical significance of this alteration remains unclear.

Labcorp Genetics (formerly Invitae), Labcorp
Classification: Uncertain significance for POLD1-related polyposis and colorectal cancer syndrome. Last evaluated: 2025-09-24. Review status: criteria provided, single submitter. Criteria: Invitae Variant Classification Sherloc (09022015). Collection method: clinical testing. Allele origin: germline.
Comment: This sequence change replaces glycine, which is neutral and non-polar, with glutamic acid, which is acidic and polar, at codon 20 of the POLD1 protein (p.Gly20Glu). This variant is present in population databases (rs778329225, gnomAD 0.006%). This variant has not been reported in the literature in individuals affected with POLD1-related conditions. ClinVar contains an entry for this variant (Variation ID: 408031). Experimental studies and prediction algorithms are not available or were not evaluated, and the functional significance of this variant is currently unknown. In summary, the available evidence is currently insufficient to determine the role of this variant in disease. Therefore, it has been classified as a Variant of Uncertain Significance.

GeneDx
Classification: Uncertain significance. Last evaluated: 2023-05-11. Review status: criteria provided, single submitter. Criteria: GeneDx Variant Classification Process June 2021. Collection method: clinical testing. Allele origin: germline. Affected: yes.
Comment: In silico analysis supports that this missense variant does not alter protein structure/function; Has not been previously published as pathogenic or benign to our knowledge; This variant is associated with the following publications: (PMID: 26811195)